The following is an entry in ClinVar:

ClinVar aggregate classification (germline): Uncertain significance. Review status: reviewed by expert panel (3 of 4 stars). 2 submissions from 2 submitters: Uncertain significance (1). 1 of the submissions does not count toward it. Last evaluated 2019-12-15.

Conditions:
Phenylketonuria (PKU). Also called: Phenylketonuria (PKU); FOLLING DISEASE; OLIGOPHRENIA PHENYLPYRUVICA; Phenylketonurias. Identifiers: Orphanet 716, MedGen C0031485, MONDO:0009861, OMIM 261600. Disease mechanism: loss of function.

Submissions (2):

ClinGen PAH Variant Curation Expert Panel
Classification: Uncertain significance for Phenylketonuria. Last evaluated: 2019-12-15. Review status: reviewed by expert panel. Criteria: ClinGen PAH ACMG Specifications v1. Collection method: curation. Allele origin: germline.
Comment: The c.1010G>T (p.Gly337Val) variant in PAH has been reported in a patient with PKU, BH4 deficiency not assessed. (PMID: 9012412) This variant is absent from controls in ExAC, gnomAD, 1000 Genomes, and ESP. Computational evidence is conflicting (Deleterious effect predicted in SIFT, MutationTaster, REVEL=0.816. PolyPhen2 HVAR predicts benign). In summary, this variant meets criteria to be classified as uncertain significance for PAH. PAH-specific ACMG/AMP criteria applied: PP4, PM2

DeBelle Laboratory for Biochemical Genetics, MUHC/MCH RESEARCH INSTITUTE
No classification provided. Review status: no classification provided. Collection method: not provided. Allele origin: not provided. Not counted in ClinVar's aggregate classification.

NM_000277.3(PAH):c.1010G>T (p.Gly337Val)

Gene: PAH (phenylalanine hydroxylase; minus strand). Cytogenetic location: 12q23.2.
Variant type: single nucleotide variant.
Coding change: c.1010G>T on transcript NM_000277.3 (MANE Select); coding-DNA position 1010, G replaced by T.
Protein change: p.Gly337Val; replaces glycine 337 with valine.
Molecular consequence: missense variant.
Genome position (GRCh38, 1-based): chr12:102,844,391, C>A on the plus strand (G>T on the coding strand, the complement: PAH is on the minus strand). VCF-style: chr12-102844391-C-A. GRCh37 (hg19) VCF-style: chr12-103238169-C-A.
Other names: c.1010G>T, p.Gly337Val (NM_001354304.2); short protein forms G337V.
Identifiers: ClinVar variation 102467 (VCV000102467.2), dbSNP rs62517206, ClinGen allele CA229268.